The following is an entry in ClinVar:

ClinVar aggregate classification (germline): Conflicting classifications of pathogenicity. Review status: criteria provided, conflicting classifications (1 of 4 stars). 3 submissions from 3 submitters: Uncertain significance (2); Likely benign (1). Last evaluated 2025-06-12.

Conditions:
Inborn genetic diseases. Identifiers: MedGen C0950123, MeSH D030342.
Focal segmental glomerulosclerosis 2 (FSGS2). Identifiers: Orphanet 656, MedGen C1858915, MONDO:0011390, OMIM 603965.

Allele frequency attached by ClinVar (database versions not stated): gnomAD exomes 0.00002; TOPMed 0.00002.
gnomAD v4.1: 7 of 1,613,880 alleles (0.00043%); highest among the groups gnomAD compares: Admixed American, 0.01%; no homozygotes.

Submissions (3):

Ambry Genetics
Classification: Likely benign for Inborn genetic diseases. Last evaluated: 2025-06-12. Review status: criteria provided, single submitter. Criteria: Ambry Variant Classification Scheme 2023. Collection method: clinical testing. Allele origin: germline.

Fulgent Genetics
Classification: Uncertain significance for Focal segmental glomerulosclerosis 2. Last evaluated: 2024-03-20. Review status: criteria provided, single submitter. Criteria: ACMG Guidelines, 2015. Collection method: clinical testing. Allele origin: germline.

Labcorp Genetics (formerly Invitae), Labcorp
Classification: Uncertain significance. Last evaluated: 2022-06-22. Review status: criteria provided, single submitter. Criteria: Invitae Variant Classification Sherloc (09022015). Collection method: clinical testing. Allele origin: germline.
Comment: Algorithms developed to predict the effect of missense changes on protein structure and function (SIFT, PolyPhen-2, Align-GVGD) all suggest that this variant is likely to be tolerated. In summary, the available evidence is currently insufficient to determine the role of this variant in disease. Therefore, it has been classified as a Variant of Uncertain Significance. This sequence change replaces serine, which is neutral and polar, with arginine, which is basic and polar, at codon 355 of the TRPC6 protein (p.Ser355Arg). This variant is present in population databases (no rsID available, gnomAD 0.01%). This variant has not been reported in the literature in individuals affected with TRPC6-related conditions. ClinVar contains an entry for this variant (Variation ID: 1039436).

NM_004621.6(TRPC6):c.1065T>G (p.Ser355Arg)

Gene: TRPC6 (transient receptor potential cation channel subfamily C member 6; minus strand). Cytogenetic location: 11q22.1.
Variant type: single nucleotide variant.
Coding change: c.1065T>G on transcript NM_004621.6 (MANE Select); coding-DNA position 1065, T replaced by G.
Protein change: p.Ser355Arg; replaces serine 355 with arginine.
Molecular consequence: missense variant.
Genome position (GRCh38, 1-based): chr11:101,491,619, A>C on the plus strand (T>G on the coding strand, the complement: TRPC6 is on the minus strand). VCF-style: chr11-101491619-A-C. GRCh37 (hg19) VCF-style: chr11-101362350-A-C.
Other names: c.1065T>G (NM_004621.5); short protein forms S355R.
Identifiers: ClinVar variation 1039436 (VCV001039436.10), dbSNP rs1036112313, ClinGen allele CA227525356.
Genomic context (GRCh38, chr11:101,491,619, plus strand): 5'-TTTTACTTCATATTTAATGGCAAGTTTTAAACGGCTGAGATTTGGGCGACCGTGATCACC[A>C]CTCTGGAGCGTTTCAACATCCCCATTCAGAATGGCCTCGACTTCTTCAGTGTTTCTGCAC-3'
Protein context (NP_004612.2, residues 345-365): ILNGDVETLQ[Ser355Arg]GDHGRPNLSR